The following is an entry in ClinVar:

NM_001844.5(COL2A1):c.365C>T (p.Pro122Leu)

Gene: COL2A1 (collagen type II alpha 1 chain; minus strand). Cytogenetic location: 12q13.11.
Variant type: single nucleotide variant.
Coding change: c.365C>T on transcript NM_001844.5 (MANE Select); coding-DNA position 365, C replaced by T.
Protein change: p.Pro122Leu; replaces proline 122 with leucine.
Molecular consequence: missense variant.
Genome position (GRCh38, 1-based): chr12:47,998,042, G>A on the plus strand (C>T on the coding strand, the complement: COL2A1 is on the minus strand). VCF-style: chr12-47998042-G-A. GRCh37 (hg19) VCF-style: chr12-48391825-G-A.
Other names: c.158C>T, p.Pro53Leu (NM_033150.3); short protein forms P53L, P122L.
Identifiers: ClinVar variation 4747083 (VCV004747083.1).
Genomic context (GRCh38, chr12:47,998,042, plus strand): 5'-CTTGCGCGCAGCGAGGAAGGGACGGAGAAAGAGATTTCTCCCTCTCTTACCTGAGGCCCA[G>A]GAGGTCCTTTGGGTCCTACAATCTGTGAGAGAGAGCCCCACAGGATGGTAAGTTAGAGGA-3'
Protein context (NP_001835.3, residues 112-132): IKDIVGPKGP[Pro122Leu]GPQGPAGEQG

ClinVar aggregate classification (germline): Uncertain significance (1 of 4 stars; one submission).

Submission:

Labcorp Genetics (formerly Invitae), Labcorp
Classification: Uncertain significance. Last evaluated: 2025-12-01. Review status: criteria provided, single submitter. Criteria: Invitae Variant Classification Sherloc (09022015). Collection method: clinical testing. Allele origin: germline.
Comment: This sequence change replaces proline, which is neutral and non-polar, with leucine, which is neutral and non-polar, at codon 122 of the COL2A1 protein (p.Pro122Leu). This variant is not present in population databases (gnomAD no frequency). This variant has not been reported in the literature in individuals affected with COL2A1-related conditions. Invitae Evidence Modeling of protein sequence and biophysical properties (such as structural, functional, and spatial information, amino acid conservation, physicochemical variation, residue mobility, and thermodynamic stability) has been performed for this missense variant. However, the output from this modeling did not meet the statistical confidence thresholds required to predict the impact of this variant on COL2A1 protein function. In summary, the available evidence is currently insufficient to determine the role of this variant in disease. Therefore, it has been classified as a Variant of Uncertain Significance.